The following is an entry in ClinVar:

ClinVar aggregate classification (germline): Likely benign. Review status: criteria provided, multiple submitters, no conflicts (2 of 4 stars). 2 submissions from 2 submitters: Likely benign (2). Last evaluated 2026-09-01.

Conditions:
Hypophosphatasia. Also called: Phosphoethanol-aminuria. Identifiers: Orphanet 436, MedGen C0020630, MeSH D007014, MONDO:0018570.

Allele frequency attached by ClinVar (database versions not stated): gnomAD exomes 0.00012 and 0.00023; gnomAD 0.00016 and 0.00015; ExAC 0.00012; ESP Exome Variant Server 0.00015; TOPMed 0.00017.
gnomAD v4.1: 369 of 1,613,052 alleles (0.023%); highest among the groups gnomAD compares: Non-Finnish European, 0.028%; 1 homozygote.

Submissions (2):

Genomenon, Inc
Classification: Likely benign for Hypophosphatasia. Last evaluated: 2026-09-01. Review status: criteria provided, single submitter. Criteria: Genomenon Sequence Variant Interpretation Standards - Updated. Collection method: curation. Allele origin: germline. Affected: no.
Comment: ALPL c.62-29G>A is an intronic variant located in intron 2. This variant has been reported in the published literature (PMID:40386289). It is absent or not present at a significant frequency in gnomAD. This variant is not predicted to impact splicing. In conclusion, we classify ALPL c.62-29G>A as a likely benign variant.

JKU Lab, Dept of Paediatrics, Johannes Kepler University
Classification: Likely benign for Hypophosphatasia. Last evaluated: 2022-03-04. Review status: criteria provided, single submitter. Criteria: ACMG Classification. Collection method: clinical testing. Allele origin: germline. Affected: yes. Observed: 1 compound heterozygote.
Comment: GnomAD Frequencies - ALL:0.012% - AFR:0.020% - EAS:0.020% - NFE:0.017% - OTH:0.042%. ACMG Criteria used for classification: PM2_sup, BP2_sup, BP7_sup.

Literature cited by the submitters: PubMed 40386289 (cited by Genomenon, Inc).

NM_000478.6(ALPL):c.62-29G>A

Gene: ALPL (alkaline phosphatase, biomineralization associated; plus strand). Cytogenetic location: 1p36.12.
Variant type: single nucleotide variant.
Coding change: c.62-29G>A on transcript NM_000478.6 (MANE Select); 29 bases into the intron before coding-DNA position 62, G replaced by A.
Molecular consequence: intron variant.
Genome position (GRCh38, 1-based): chr1:21,560,597, G>A. VCF-style: chr1-21560597-G-A. GRCh37 (hg19) VCF-style: chr1-21887090-G-A.
Other names: c.62-29G>A (NM_001369805.2, NM_001369804.2, NM_001369803.2); c.-104-29G>A (NM_001127501.4); c.-54-29G>A (NM_001177520.3).
Identifiers: ClinVar variation 1344543 (VCV001344543.3), dbSNP rs200054024, ClinGen allele CA666377.